The following is an entry in ClinVar:

NM_001165963.4(SCN1A):c.821G>C (p.Arg274Thr)

Gene: SCN1A (sodium voltage-gated channel alpha subunit 1; minus strand). Cytogenetic location: 2q24.3.
Variant type: single nucleotide variant.
Coding change: c.821G>C on transcript NM_001165963.4 (MANE Select); coding-DNA position 821, G replaced by C.
Protein change: p.Arg274Thr; replaces arginine 274 with threonine.
Molecular consequence: missense variant. On other transcripts: 5 prime UTR variant (1), non-coding transcript variant (1).
Genome position (GRCh38, 1-based): chr2:166,051,862, C>G on the plus strand (G>C on the coding strand, the complement: SCN1A is on the minus strand). VCF-style: chr2-166051862-C-G. GRCh37 (hg19) VCF-style: chr2-166908372-C-G.
Other names: c.821G>C, p.Arg274Thr (NM_001165964.3, NM_001202435.3, NM_001353948.2 and 10 more transcripts); c.-1605G>C (NM_001353961.2); short protein forms R274T.
Identifiers: ClinVar variation 4855342 (VCV004855342.1).

ClinVar aggregate classification (germline): Uncertain significance (1 of 4 stars; one submission).

Conditions:
SCN1A-related disorder. Also called: SCN1A-related disorders; SCN1A-related conditions; SCN1A-related condition.

Submission:

3billion
Classification: Uncertain significance for SCN1A-related disorder. Last evaluated: 2025-07-19. Review status: criteria provided, single submitter. Criteria: ACMG Guidelines, 2015. Collection method: clinical testing. Allele origin: germline. Affected: yes.
Comment: The variant is not observed in the gnomAD v4.1.0 dataset. Predicted Consequence/Location: The variant is located in a mutational hot spot and/or well-established functional domain in which established pathogenic variants have been reported (N/A). In silico tool predictions suggest damaging effect of the variant on gene or gene product [REVEL: 0.80 (>=0.6, sensitivity 0.68 and specificity 0.92); 3Cnet: 0.99 (> 0.75, sensitivity 0.96 and precision 0.92)]. Different missense changes at the same codon have been reported as of uncertain significance (ClinVar ID: VCV000994752). Therefore, this variant is classified as VUS according to the recommendation of ACMG/AMP guideline.